The following is an entry in ClinVar:

ClinVar aggregate classification (germline): Uncertain significance (1 of 4 stars; one submission).

Submission:

Labcorp Genetics (formerly Invitae), Labcorp
Classification: Uncertain significance. Last evaluated: 2025-09-07. Review status: criteria provided, single submitter. Criteria: Invitae Variant Classification Sherloc (09022015). Collection method: clinical testing. Allele origin: germline.
Comment: This sequence change replaces proline, which is neutral and non-polar, with serine, which is neutral and polar, at codon 550 of the IRF2BP2 protein (p.Pro550Ser). This variant is not present in population databases (gnomAD no frequency). This variant has not been reported in the literature in individuals affected with IRF2BP2-related conditions. An algorithm developed to predict the effect of missense changes on protein structure and function (PolyPhen-2) suggests that this variant is likely to be disruptive. In summary, the available evidence is currently insufficient to determine the role of this variant in disease. Therefore, it has been classified as a Variant of Uncertain Significance.

NM_182972.3(IRF2BP2):c.1648C>T (p.Pro550Ser)

Gene: IRF2BP2 (interferon regulatory factor 2 binding protein 2; minus strand). Cytogenetic location: 1q42.3.
Variant type: single nucleotide variant.
Coding change: c.1648C>T on transcript NM_182972.3 (MANE Select); coding-DNA position 1648, C replaced by T.
Protein change: p.Pro550Ser; replaces proline 550 with serine.
Molecular consequence: missense variant.
Genome position (GRCh38, 1-based): chr1:234,607,253, G>A on the plus strand (C>T on the coding strand, the complement: IRF2BP2 is on the minus strand). VCF-style: chr1-234607253-G-A. GRCh37 (hg19) VCF-style: chr1-234742999-G-A.
Other names: c.1600C>T, p.Pro534Ser (NM_001077397.1); short protein forms P550S, P534S.
Identifiers: ClinVar variation 4780301 (VCV004780301.1).